The following is an entry in ClinVar:

ClinVar aggregate classification (germline): Uncertain significance (1 of 4 stars; one submission).

Allele frequency attached by ClinVar (database versions not stated): gnomAD 0.00001; ExAC 0.00005.
gnomAD v4.1: 26 of 1,614,060 alleles (0.0016%); highest among the groups gnomAD compares: East Asian, 0.058%; no homozygotes.

Submission:

Labcorp Genetics (formerly Invitae), Labcorp
Classification: Uncertain significance. Last evaluated: 2023-06-26. Review status: criteria provided, single submitter. Criteria: Invitae Variant Classification Sherloc (09022015). Collection method: clinical testing. Allele origin: germline.
Comment: In summary, the available evidence is currently insufficient to determine the role of this variant in disease. Therefore, it has been classified as a Variant of Uncertain Significance. Advanced modeling of protein sequence and biophysical properties (such as structural, functional, and spatial information, amino acid conservation, physicochemical variation, residue mobility, and thermodynamic stability) has been performed at Invitae for this missense variant, however the output from this modeling did not meet the statistical confidence thresholds required to predict the impact of this variant on AASS protein function. This variant has not been reported in the literature in individuals affected with AASS-related conditions. This variant is present in population databases (rs761594354, gnomAD 0.08%). This sequence change replaces threonine, which is neutral and polar, with asparagine, which is neutral and polar, at codon 878 of the AASS protein (p.Thr878Asn).

NM_005763.4(AASS):c.2633C>A (p.Thr878Asn)

Gene: AASS (aminoadipate-semialdehyde synthase; minus strand). Cytogenetic location: 7q31.32.
Variant type: single nucleotide variant.
Coding change: c.2633C>A on transcript NM_005763.4 (MANE Select); coding-DNA position 2633, C replaced by A.
Protein change: p.Thr878Asn; replaces threonine 878 with asparagine.
Molecular consequence: missense variant.
Genome position (GRCh38, 1-based): chr7:122,077,867, G>T on the plus strand (C>A on the coding strand, the complement: AASS is on the minus strand). VCF-style: chr7-122077867-G-T. GRCh37 (hg19) VCF-style: chr7-121717921-G-T.
Other names: short protein forms T878N.
Identifiers: ClinVar variation 2722163 (VCV002722163.3), dbSNP rs761594354, ClinGen allele CA4457973.